The following is an entry in ClinVar:

NM_016579.4(CD320):c.277C>T (p.Pro93Ser)

Gene: CD320 (CD320 molecule; minus strand). Cytogenetic location: 19p13.2.
Variant type: single nucleotide variant.
Coding change: c.277C>T on transcript NM_016579.4 (MANE Select); coding-DNA position 277, C replaced by T.
Protein change: p.Pro93Ser; replaces proline 93 with serine.
Molecular consequence: missense variant.
Genome position (GRCh38, 1-based): chr19:8,304,080, G>A on the plus strand (C>T on the coding strand, the complement: CD320 is on the minus strand). VCF-style: chr19-8304080-G-A. GRCh37 (hg19) VCF-style: chr19-8368964-G-A.
Other names: c.151C>T, p.Pro51Ser (NM_001165895.2); short protein forms P93S, P51S.
Identifiers: ClinVar variation 429626 (VCV000429626.34), dbSNP rs377236965, ClinGen allele CA9154774.

ClinVar aggregate classification (germline): Uncertain significance. Review status: criteria provided, multiple submitters, no conflicts (2 of 4 stars). 4 submissions from 4 submitters: Uncertain significance (4). Last evaluated 2025-04-25.

Conditions:
Methylmalonic acidemia due to transcobalamin receptor defect (MATR). Also called: METHYLMALONIC ACIDEMIA, TCblR TYPE; METHYLMALONIC ACIDURIA, TRANSIENT, DUE TO TRANSCOBALAMIN RECEPTOR DEFECT. Identifiers: Orphanet 280183, MedGen C4749905, MONDO:0013341, OMIM 613646.

Allele frequency attached by ClinVar (database versions not stated): gnomAD exomes 0.00003; ExAC 0.00005; TOPMed 0.00005; gnomAD 0.00007; ESP Exome Variant Server 0.00008.

Submissions (4):

Ambry Genetics
Classification: Uncertain significance. Last evaluated: 2025-04-25. Review status: criteria provided, single submitter. Criteria: Ambry Variant Classification Scheme 2023. Collection method: clinical testing. Allele origin: germline.

Labcorp Genetics (formerly Invitae), Labcorp
Classification: Uncertain significance for Methylmalonic acidemia due to transcobalamin receptor defect. Last evaluated: 2024-10-17. Review status: criteria provided, single submitter. Criteria: Invitae Variant Classification Sherloc (09022015). Collection method: clinical testing. Allele origin: germline.
Comment: This sequence change replaces proline, which is neutral and non-polar, with serine, which is neutral and polar, at codon 93 of the CD320 protein (p.Pro93Ser). The frequency data for this variant in the population databases is considered unreliable, as metrics indicate poor data quality at this position in the gnomAD database. This variant has not been reported in the literature in individuals affected with CD320-related conditions. ClinVar contains an entry for this variant (Variation ID: 429626). An algorithm developed to predict the effect of missense changes on protein structure and function (PolyPhen-2) suggests that this variant is likely to be tolerated. In summary, the available evidence is currently insufficient to determine the role of this variant in disease. Therefore, it has been classified as a Variant of Uncertain Significance.

CeGaT Center for Human Genetics Tuebingen
Classification: Uncertain significance. Last evaluated: 2023-10-01. Review status: criteria provided, single submitter. Criteria: CeGaT Center For Human Genetics Tuebingen Variant Classification Criteria Version 2. Collection method: clinical testing. Allele origin: germline. Affected: yes. Observed: 1 variant allele.
Comment: CD320: PM2

GeneDx
Classification: Uncertain significance. Last evaluated: 2017-05-11. Review status: criteria provided, single submitter. Criteria: GeneDx Variant Classification (06012015). Collection method: clinical testing. Allele origin: germline. Affected: yes.
Comment: The P93S variant has not been published as a pathogenic variant, nor has it been reported as a benign variant to ourknowledge. The P93S variant is observed in 1/82 (1.2%) alleles from individuals of Finnish background in the ExACdataset (Lek et al., 2016). The P93S variant is a non-conservative amino acid substitution, which is likely to impactsecondary protein structure as these residues differ in polarity, charge, size and/or other properties. This substitutionoccurs at a position that is not conserved. In silico analysis is inconsistent in its predictions as to whether or not thevariant is damaging to the protein structure/function. In summary, based on the currently available information, it isunclear whether this variant is a pathogenic variant or a rare benign variant.